The following is an entry in ClinVar:

NM_000535.7(PMS2):c.148G>T (p.Gly50Cys)

Gene: PMS2 (PMS1 homolog 2, mismatch repair system component; minus strand). Cytogenetic location: 7p22.1.
Variant type: single nucleotide variant.
Coding change: c.148G>T on transcript NM_000535.7 (MANE Select); coding-DNA position 148, G replaced by T.
Protein change: p.Gly50Cys; replaces glycine 50 with cysteine.
Molecular consequence: missense variant. On other transcripts: 5 prime UTR variant (38), non-coding transcript variant (1), intron variant (7).
Genome position (GRCh38, 1-based): chr7:6,005,907, C>A on the plus strand (G>T on the coding strand, the complement: PMS2 is on the minus strand). VCF-style: chr7-6005907-C-A. GRCh37 (hg19) VCF-style: chr7-6045538-C-A.
Other names: c.-258G>T (NM_001406906.1, NM_001406908.1, NM_001406910.1 and 10 more transcripts); c.-205G>T (NM_001406907.1, NM_001406909.1, NM_001406894.1 and 5 more transcripts); c.148G>T, p.Gly50Cys (NM_001406912.1, NM_001322006.2, NM_001322014.2 and 10 more transcripts); c.-52-1849G>T (NM_001322008.2); c.-218-1849G>T (NM_001406881.1); c.-189-1849G>T (NM_001406895.1); c.-242-1849G>T (NM_001406911.1, NM_001322010.2, NM_001322004.2); c.-68G>T (NM_001406896.1, NM_001406901.1, NM_001406902.1 and 4 more transcripts); and 7 more; short protein forms G112C, G50C.
Identifiers: ClinVar variation 3935113 (VCV003935113.1).

ClinVar aggregate classification (germline): Uncertain significance (1 of 4 stars; one submission).

Conditions:
Hereditary cancer-predisposing syndrome. Also called: Tumor predisposition; Hereditary neoplastic syndrome; Hereditary Cancer Syndrome; Neoplastic Syndromes, Hereditary. Identifiers: Orphanet 140162, MedGen C0027672, MeSH D009386, MONDO:0015356.

Submission:

Ambry Genetics
Classification: Uncertain significance for Hereditary cancer-predisposing syndrome. Last evaluated: 2025-03-31. Review status: criteria provided, single submitter. Criteria: Ambry Variant Classification Scheme 2023. Collection method: clinical testing. Allele origin: germline.
Comment: The p.G50C variant (also known as c.148G>T), located in coding exon 2 of the PMS2 gene, results from a G to T substitution at nucleotide position 148. The glycine at codon 50 is replaced by cysteine, an amino acid with highly dissimilar properties. This amino acid position is conserved. In addition, this alteration is predicted to be deleterious by in silico analysis. Based on the available evidence, the clinical significance of this variant remains unclear.